The following is an entry in ClinVar:

ClinVar aggregate classification (germline): Uncertain significance. Review status: criteria provided, multiple submitters, no conflicts (2 of 4 stars). 3 submissions from 3 submitters: Uncertain significance (3). Last evaluated 2025-12-17.

Conditions:
Hereditary cancer-predisposing syndrome. Also called: Hereditary neoplastic syndrome; Hereditary Cancer Syndrome; Neoplastic Syndromes, Hereditary; Tumor predisposition. Identifiers: Orphanet 140162, MedGen C0027672, MeSH D009386, MONDO:0015356.
Familial adenomatous polyposis 2. Also called: MYH-associated polyposis; COLORECTAL ADENOMATOUS POLYPOSIS, AUTOSOMAL RECESSIVE; ADENOMAS, MULTIPLE COLORECTAL, AUTOSOMAL RECESSIVE; MUTYH-related attenuated familial adenomatous polyposis; Adenomas, multiple colorectal; FAP type 2. Identifiers: Orphanet 220460, Orphanet 247798, MedGen C3272841, MONDO:0012041, OMIM 608456.

Allele frequency attached by ClinVar (database versions not stated): gnomAD exomes below 0.00001.

Submissions (3):

Labcorp Genetics (formerly Invitae), Labcorp
Classification: Uncertain significance for Familial adenomatous polyposis 2. Last evaluated: 2025-12-17. Review status: criteria provided, single submitter. Criteria: Invitae Variant Classification Sherloc (09022015). Collection method: clinical testing. Allele origin: germline.
Comment: This sequence change replaces threonine, which is neutral and polar, with isoleucine, which is neutral and non-polar, at codon 483 of the MUTYH protein (p.Thr483Ile). This variant is not present in population databases (gnomAD no frequency). This variant has not been reported in the literature in individuals affected with MUTYH-related conditions. ClinVar contains an entry for this variant (Variation ID: 490032). An algorithm developed to predict the effect of missense changes on protein structure and function (PolyPhen-2) suggests that this variant is likely to be tolerated. In summary, the available evidence is currently insufficient to determine the role of this variant in disease. Therefore, it has been classified as a Variant of Uncertain Significance.

Ambry Genetics
Classification: Uncertain significance for Hereditary cancer-predisposing syndrome. Last evaluated: 2025-08-27. Review status: criteria provided, single submitter. Criteria: Ambry Variant Classification Scheme 2023. Collection method: clinical testing. Allele origin: germline.
Comment: The p.T483I variant (also known as c.1448C>T), located in coding exon 14 of the MUTYH gene, results from a C to T substitution at nucleotide position 1448. The threonine at codon 483 is replaced by isoleucine, an amino acid with similar properties. This amino acid position is conserved. In addition, the in silico prediction for this alteration is inconclusive. Based on the available evidence, the clinical significance of this variant remains unclear.

Color Diagnostics, LLC DBA Color Health
Classification: Uncertain significance for Hereditary cancer-predisposing syndrome. Last evaluated: 2023-12-05. Review status: criteria provided, single submitter. Criteria: ACMG Guidelines, 2015. Collection method: clinical testing. Allele origin: germline.
Comment: This missense variant replaces threonine with isoleucine at codon 483 of the MUTYH protein. Computational prediction suggests that this variant may not impact protein structure and function (internally defined REVEL score threshold <= 0.5, PMID: 27666373). To our knowledge, functional studies have not been reported for this variant. This variant has not been reported in individuals affected with MUTYH-related disorders in the literature. This variant has not been identified in the general population by the Genome Aggregation Database (gnomAD). The available evidence is insufficient to determine the role of this variant in disease conclusively. Therefore, this variant is classified as a Variant of Uncertain Significance.

NM_001048174.2(MUTYH):c.1364C>T (p.Thr455Ile)

Gene: MUTYH (mutY DNA glycosylase; minus strand). Cytogenetic location: 1p34.1.
Variant type: single nucleotide variant.
Coding change: c.1364C>T on transcript NM_001048174.2 (MANE Select); coding-DNA position 1364, C replaced by T.
Protein change: p.Thr455Ile; replaces threonine 455 with isoleucine.
Molecular consequence: missense variant. On other transcripts: non-coding transcript variant (2).
Genome position (GRCh38, 1-based): chr1:45,331,210, G>A on the plus strand (C>T on the coding strand, the complement: MUTYH is on the minus strand). VCF-style: chr1-45331210-G-A. GRCh37 (hg19) VCF-style: chr1-45796882-G-A.
Other names: c.1364C>T, p.Thr455Ile (NM_001048171.2, NM_001048173.2, NM_001293195.2); c.1367C>T, p.Thr456Ile (NM_001048172.2); c.1448C>T, p.Thr483Ile (NM_001128425.2); c.1409C>T, p.Thr470Ile (NM_001293190.2); c.1397C>T, p.Thr466Ile (NM_001293191.2); c.1088C>T, p.Thr363Ile (NM_001293192.2, NM_001293196.2); c.1019C>T, p.Thr340Ile (NM_001350650.2, NM_001350651.2); c.1439C>T, p.Thr480Ile (NM_012222.3); short protein forms T483I, T470I, T340I, T466I, T480I, T363I, T455I, T456I.
Identifiers: ClinVar variation 490032 (VCV000490032.9), dbSNP rs1553124891, ClinGen allele CA340132546.